The following is an entry in ClinVar:

ClinVar aggregate classification (germline): Pathogenic. Review status: criteria provided, multiple submitters, no conflicts (2 of 4 stars). 7 submissions from 7 submitters: Pathogenic (4). 3 of the submissions do not count toward it. Last evaluated 2026-01-21.

Conditions:
RD3-related disorder. Also called: RD3-related condition.
Retinal dystrophy. Also called: Inherited retinal dystrophy. Identifiers: Orphanet 71862, MedGen C0854723, MeSH D058499, MONDO:0019118, HP:0000556.
Leber congenital amaurosis 12 (LCA12). Identifiers: Orphanet 65, MedGen C1857743, MONDO:0012525, OMIM 610612.
Abnormality of the eye. Identifiers: MedGen C4316870, HP:0000478.

Allele frequency attached by ClinVar (database versions not stated): gnomAD exomes below 0.00001; TOPMed below 0.00001.

Submissions (7):

Labcorp Genetics (formerly Invitae), Labcorp
Classification: Pathogenic for Leber congenital amaurosis 12. Last evaluated: 2026-01-21. Review status: criteria provided, single submitter. Criteria: Invitae Variant Classification Sherloc (09022015). Collection method: clinical testing. Allele origin: germline.
Comment: This sequence change creates a premature translational stop signal (p.Arg38*) in the RD3 gene. It is expected to result in an absent or disrupted protein product. Loss-of-function variants in RD3 are known to be pathogenic (PMID: 23308101). This variant is present in population databases (rs786205148, gnomAD 0.0009%). This premature translational stop signal has been observed in individual(s) with Leber congenital amaurosis (PMID: 23308101). It has also been observed to segregate with disease in related individuals. ClinVar contains an entry for this variant (Variation ID: 189792). For these reasons, this variant has been classified as Pathogenic.

Blueprint Genetics
Classification: Pathogenic for RD3-related disorders. Last evaluated: 2023-10-04. Review status: criteria provided, single submitter. Criteria: ACMG Guidelines, 2015. Collection method: clinical testing. Allele origin: germline. Affected: yes. Observed: 1 variant allele.

Kariminejad - Najmabadi Pathology & Genetics Center
Classification: Pathogenic for Abnormality of the eye. Last evaluated: 2021-07-10. Review status: criteria provided, single submitter. Criteria: ACMG Guidelines, 2015. Collection method: clinical testing. Allele origin: germline. Affected: yes.

Institute of Human Genetics, Univ. Regensburg, Univ. Regensburg
Classification: Pathogenic for Retinal dystrophy. Last evaluated: 2018-01-01. Review status: criteria provided, single submitter. Criteria: ACMG Guidelines, 2015. Collection method: clinical testing. Allele origin: germline. Affected: yes.

PreventionGenetics, part of Exact Sciences
Classification: Pathogenic for RD3-related condition. Last evaluated: 2023-11-22. Review status: no assertion criteria provided. Collection method: clinical testing. Allele origin: germline. Not counted in ClinVar's aggregate classification.
Comment: The RD3 c.112C>T variant is predicted to result in premature protein termination (p.Arg38*). This variant has been reported in the homozygous state multiple individuals with Leber congenital amaurosis (Perrault et al 2013. PubMed ID: 23308101; Table S1, Weisschuh et al. 2020. PubMed ID: 32531858). This variant is reported in 0.00088% of alleles in individuals of European (Non-Finnish) descent in gnomAD. Nonsense variants in RD3 are expected to be pathogenic. Given all the evidence, we interpret this variant as pathogenic.

OMIM
Classification: Pathogenic for LEBER CONGENITAL AMAUROSIS 12. Last evaluated: 2013-01-01. Review status: no assertion criteria provided. Collection method: literature only. Allele origin: germline. Not counted in ClinVar's aggregate classification.

Laboratory of Genetics in Ophthalmology, Institut Imagine
Classification: Pathogenic for Leber congenital amaurosis 12. Review status: no assertion criteria provided. Collection method: research. Allele origin: inherited. Affected: yes. Observed: 5 variant alleles. Not counted in ClinVar's aggregate classification.

Literature cited by the submitters: PubMed 23308101 (cited by 4 submitters); PubMed 32083505 (cited by Institute of Human Genetics, Univ. Regensburg, Univ. Regensburg); PubMed 31964843 (cited by Institute of Human Genetics, Univ. Regensburg, Univ. Regensburg); PubMed 32531858 (cited by Institute of Human Genetics, Univ. Regensburg, Univ. Regensburg); PubMed 34426522 (cited by Institute of Human Genetics, Univ. Regensburg, Univ. Regensburg); PubMed 36460718 (cited by Institute of Human Genetics, Univ. Regensburg, Univ. Regensburg).

NM_001164688.2(RD3):c.112C>T (p.Arg38Ter)

Gene: RD3 (RD3 regulator of GUCY2D; minus strand). Cytogenetic location: 1q32.3.
Variant type: single nucleotide variant.
Coding change: c.112C>T on transcript NM_001164688.2 (MANE Select); coding-DNA position 112, C replaced by T.
Protein change: p.Arg38Ter; replaces arginine 38 with a stop codon.
Molecular consequence: nonsense.
Genome position (GRCh38, 1-based): chr1:211,481,304, G>A on the plus strand (C>T on the coding strand, the complement: RD3 is on the minus strand). VCF-style: chr1-211481304-G-A. GRCh37 (hg19) VCF-style: chr1-211654646-G-A.
Other names: c.112C>T, p.Arg38Ter (NM_183059.3); short protein forms R38*.
Identifiers: ClinVar variation 189792 (VCV000189792.36), dbSNP rs786205148, ClinGen allele CA274684.